The following is an entry in ClinVar:

ClinVar aggregate classification (germline): Pathogenic (1 of 4 stars; one submission).

Conditions:
Microcephalic osteodysplastic primordial dwarfism type II (MOPD2). Also called: MOPD II; OSTEODYSPLASTIC PRIMORDIAL DWARFISM, TYPE II; Microcephalic osteodysplastic primordial dwarfism with tooth abnormalities. Identifiers: Orphanet 2637, MedGen C0432246, MONDO:0008872, OMIM 210720.

Submission:

Human Genetics Unit, University Of Colombo
Classification: Pathogenic for Microcephalic osteodysplastic primordial dwarfism type II. Last evaluated: 2021-02-03. Review status: criteria provided, single submitter. Criteria: ACMG Guidelines, 2015. Collection method: clinical testing. Allele origin: germline. Inheritance: Autosomal recessive inheritance. Affected: yes. Observed: 1 compound heterozygote.
Comment: The variant, denoted as c.5059_5060delAA at cDNA level, is located in exon 27 of the PCNT gene. At protein level, it substitutes the Glutamine resulting a premature Stop codon at position 11 of the new reading frame. This frameshift predicted to cause non-sense mediated decay of mRNA leading to loss of PCNT protein. Bi-allelic loss of function in PCNT gene is a known mechanism of the disease MICROCEPHALIC OSTEODYSPLASTIC PRIMORDIAL DWARFISM, TYPE II(PMID:18174396 ). Hence this variant is classified as a pathogenic variant according to the following ACMG guidelines. PVS1, PM2, PM3.

Literature cited by the submitters: PubMed 18174396.

NM_006031.6(PCNT):c.5059_5060del (p.Asn1687fs)

Gene: PCNT (pericentrin; plus strand). Cytogenetic location: 21q22.3.
Variant type: Deletion.
Coding change: c.5059_5060del on transcript NM_006031.6 (MANE Select); coding-DNA positions 5059 to 5060, 2 bases deleted (AA; older notation c.5059_5060delAA).
Protein change: p.Asn1687fs; shifts the reading frame from asparagine 1687.
Molecular consequence: frameshift variant.
Genome position (GRCh38, 1-based): chr21:46,402,427-46,402,428, AA deleted. VCF-style (leftmost placement, unchanged base first): chr21-46402426-GAA-G. GRCh37 (hg19) VCF-style: chr21-47822340-GAA-G.
Other names: c.4705_4706del, p.Asn1569fs (NM_001315529.2); short protein forms N1569fs, N1687fs.
Identifiers: ClinVar variation 1343402 (VCV001343402.3), dbSNP rs2147504920, ClinGen allele CA2573054969.